The following is an entry in ClinVar:

ClinVar aggregate classification (germline): Uncertain significance (1 of 4 stars; one submission).

Submission:

Labcorp Genetics (formerly Invitae), Labcorp
Classification: Uncertain significance. Last evaluated: 2024-02-17. Review status: criteria provided, single submitter. Criteria: Invitae Variant Classification Sherloc (09022015). Collection method: clinical testing. Allele origin: germline.
Comment: This sequence change replaces glutamic acid, which is acidic and polar, with aspartic acid, which is acidic and polar, at codon 968 of the EIF2AK3 protein (p.Glu968Asp). This variant is not present in population databases (gnomAD no frequency). This variant has not been reported in the literature in individuals affected with EIF2AK3-related conditions. ClinVar contains an entry for this variant (Variation ID: 1395504). Algorithms developed to predict the effect of missense changes on protein structure and function output the following: SIFT: "Not Available"; PolyPhen-2: "Benign"; Align-GVGD: "Not Available". The aspartic acid amino acid residue is found in multiple mammalian species, which suggests that this missense change does not adversely affect protein function. In summary, the available evidence is currently insufficient to determine the role of this variant in disease. Therefore, it has been classified as a Variant of Uncertain Significance.

NM_004836.7(EIF2AK3):c.2904G>C (p.Glu968Asp)

Genes: EIF2AK3 (eukaryotic translation initiation factor 2 alpha kinase 3; minus strand), EIF2AK3-AS1 (EIF2AK3 antisense RNA 1; plus strand). Cytogenetic location: 2p11.2.
Variant type: single nucleotide variant.
Coding change: c.2904G>C on transcript NM_004836.7 (MANE Select); coding-DNA position 2904, G replaced by C.
Protein change: p.Glu968Asp; replaces glutamic acid 968 with aspartic acid.
Molecular consequence: missense variant.
Genome position (GRCh38, 1-based): chr2:88,570,955, C>G on the plus strand (G>C on the coding strand, the complement: EIF2AK3 is on the minus strand). VCF-style: chr2-88570955-C-G. GRCh37 (hg19) VCF-style: chr2-88870473-C-G.
Other names: c.2451G>C, p.Glu817Asp (NM_001313915.2); short protein forms E968D, E817D.
Identifiers: ClinVar variation 1395504 (VCV001395504.6), dbSNP rs2104403383, ClinGen allele CA347587104.
Genomic context (GRCh38, chr2:88,570,955, plus strand): 5'-TTTGGTCCCTACTTGTCCTGTGTGTCTGGCATAAGCTGGCATTGGGGTCAGAACCGTCTG[C>G]TCTTCCTCATCCTGGTCCATTGCAGTCACTAACCCAAAGTCTCCAACCTTGACCACATCA-3'
Protein context (NP_004827.4, residues 958-978): LVTAMDQDEE[Glu968Asp]QTVLTPMPAY